The following is an entry in ClinVar:

ClinVar aggregate classification (germline): Uncertain significance (1 of 4 stars; one submission).

Submission:

Labcorp Genetics (formerly Invitae), Labcorp
Classification: Uncertain significance. Last evaluated: 2022-03-20. Review status: criteria provided, single submitter. Criteria: Invitae Variant Classification Sherloc (09022015). Collection method: clinical testing. Allele origin: germline.
Comment: In summary, the available evidence is currently insufficient to determine the role of this variant in disease. Therefore, it has been classified as a Variant of Uncertain Significance. This sequence change replaces cysteine, which is neutral and slightly polar, with glycine, which is neutral and non-polar, at codon 107 of the GPR45 protein (p.Cys107Gly). This variant is not present in population databases (gnomAD no frequency). This variant has not been reported in the literature in individuals affected with GPR45-related conditions. Algorithms developed to predict the effect of missense changes on protein structure and function (SIFT, PolyPhen-2, Align-GVGD) all suggest that this variant is likely to be disruptive.

NM_007227.3(GPR45):c.319T>G (p.Cys107Gly)

Gene: GPR45 (G protein-coupled receptor 45; plus strand). Cytogenetic location: 2q12.1.
Variant type: single nucleotide variant.
Coding change: c.319T>G on transcript NM_007227.3 (MANE Select); coding-DNA position 319, T replaced by G.
Protein change: p.Cys107Gly; replaces cysteine 107 with glycine.
Molecular consequence: missense variant.
Genome position (GRCh38, 1-based): chr2:105,242,177, T>G. VCF-style: chr2-105242177-T-G. GRCh37 (hg19) VCF-style: chr2-105858634-T-G.
Other names: short protein forms C107G.
Identifiers: ClinVar variation 2115127 (VCV002115127.4), dbSNP rs1224676889, ClinGen allele CA348099798.